The following is an entry in ClinVar:

ClinVar aggregate classification (germline): Uncertain significance. Review status: criteria provided, multiple submitters, no conflicts (2 of 4 stars). 4 submissions from 4 submitters: Uncertain significance (3). 1 of the submissions does not count toward it. Last evaluated 2025-06-16.

Conditions:
COL9A3-related disorder. Also called: COL9A3-related condition.
Inborn genetic diseases. Identifiers: MedGen C0950123, MeSH D030342.

Allele frequency attached by ClinVar (database versions not stated): gnomAD exomes below 0.00001 and 0.00001; ExAC 0.00001; TOPMed 0.00003; gnomAD 0.00004 and 0.00005; ESP Exome Variant Server 0.00008.
gnomAD v4.1: 15 of 1,587,186 alleles (0.00095%); highest among the groups gnomAD compares: African/African-American, 0.011%; no homozygotes.

Submissions (4):

Labcorp Genetics (formerly Invitae), Labcorp
Classification: Uncertain significance. Last evaluated: 2025-06-16. Review status: criteria provided, single submitter. Criteria: Invitae Variant Classification Sherloc (09022015). Collection method: clinical testing. Allele origin: germline.
Comment: This sequence change replaces glycine, which is neutral and non-polar, with serine, which is neutral and polar, at codon 148 of the COL9A3 protein (p.Gly148Ser). This variant is present in population databases (rs151085597, gnomAD 0.02%). This variant has not been reported in the literature in individuals affected with COL9A3-related conditions. ClinVar contains an entry for this variant (Variation ID: 1345832). Invitae Evidence Modeling of protein sequence and biophysical properties (such as structural, functional, and spatial information, amino acid conservation, physicochemical variation, residue mobility, and thermodynamic stability) indicates that this missense variant is expected to disrupt COL9A3 protein function with a positive predictive value of 95%. In summary, the available evidence is currently insufficient to determine the role of this variant in disease. Therefore, it has been classified as a Variant of Uncertain Significance.

Ambry Genetics
Classification: Uncertain significance for Inborn genetic diseases. Last evaluated: 2024-09-02. Review status: criteria provided, single submitter. Criteria: Ambry Variant Classification Scheme 2023. Collection method: clinical testing. Allele origin: germline.

GeneDx
Classification: Uncertain significance. Last evaluated: 2023-01-18. Review status: criteria provided, single submitter. Criteria: GeneDx Variant Classification Process June 2021. Collection method: clinical testing. Allele origin: germline. Affected: yes.
Comment: Not observed at significant frequency in large population cohorts (gnomAD); In silico analysis supports that this missense variant has a deleterious effect on protein structure/function; Has not been previously published as pathogenic or benign to our knowledge

PreventionGenetics, part of Exact Sciences
Classification: Uncertain significance for COL9A3-related condition. Last evaluated: 2023-11-30. Review status: no assertion criteria provided. Collection method: clinical testing. Allele origin: germline. Not counted in ClinVar's aggregate classification.
Comment: The COL9A3 c.442G>A variant is predicted to result in the amino acid substitution p.Gly148Ser. To our knowledge, this variant has not been reported in the literature. This variant is reported in 0.016% of alleles in individuals of African descent in gnomAD. At this time, the clinical significance of this variant is uncertain due to the absence of conclusive functional and genetic evidence.

NM_001853.4(COL9A3):c.442G>A (p.Gly148Ser)

Gene: COL9A3 (collagen type IX alpha 3 chain; plus strand). Cytogenetic location: 20q13.33.
Variant type: single nucleotide variant.
Coding change: c.442G>A on transcript NM_001853.4 (MANE Select); coding-DNA position 442, G replaced by A.
Protein change: p.Gly148Ser; replaces glycine 148 with serine.
Molecular consequence: missense variant.
Genome position (GRCh38, 1-based): chr20:62,822,129, G>A. VCF-style: chr20-62822129-G-A. GRCh37 (hg19) VCF-style: chr20-61453481-G-A.
Other names: c.442G>A (NM_001853.3); short protein forms G148S.
Identifiers: ClinVar variation 1345832 (VCV001345832.11), dbSNP rs151085597, ClinGen allele CA9949275.